The following is an entry in ClinVar:

ClinVar aggregate classification (germline): Uncertain significance. Review status: criteria provided, multiple submitters, no conflicts (2 of 4 stars). 2 submissions from 2 submitters: Uncertain significance (2). Last evaluated 2026-07-30.

Conditions:
Fanconi anemia (FA). Also called: Fanconi's anemia. Identifiers: Orphanet 84, MedGen C0015625, MeSH D005199, MONDO:0019391.
Inborn genetic diseases. Identifiers: MedGen C0950123, MeSH D030342.

gnomAD v4.1: 1 of 1,614,080 alleles (0.000062%); highest among the groups gnomAD compares: African/African-American, 0.0013%; no homozygotes.

Submissions (2):

Ambry Genetics
Classification: Uncertain significance for Inborn genetic diseases. Last evaluated: 2026-07-30. Review status: criteria provided, single submitter. Criteria: Ambry Variant Classification Scheme 2023. Collection method: clinical testing. Allele origin: germline.
Comment: The p.S134L variant (also known as c.401C>T), located in coding exon 1 of the FANCM gene, results from a C to T substitution at nucleotide position 401. The serine at codon 134 is replaced by leucine, an amino acid with dissimilar properties. This amino acid position is conserved. In addition, this alteration is predicted to be tolerated by in silico analysis. Based on the available evidence, the clinical significance of this variant remains unclear.

Labcorp Genetics (formerly Invitae), Labcorp
Classification: Uncertain significance for Fanconi anemia. Last evaluated: 2026-01-07. Review status: criteria provided, single submitter. Criteria: Invitae Variant Classification Sherloc (09022015). Collection method: clinical testing. Allele origin: germline.
Comment: This sequence change replaces serine, which is neutral and polar, with leucine, which is neutral and non-polar, at codon 134 of the FANCM protein (p.Ser134Leu). This variant is present in population databases (rs769637841, gnomAD 0.007%). This variant has not been reported in the literature in individuals affected with FANCM-related conditions. An algorithm developed to predict the effect of missense changes on protein structure and function (PolyPhen-2) suggests that this variant is likely to be tolerated. In summary, the available evidence is currently insufficient to determine the role of this variant in disease. Therefore, it has been classified as a Variant of Uncertain Significance.

NM_020937.4(FANCM):c.401C>T (p.Ser134Leu)

Gene: FANCM (FA complementation group M; plus strand). Cytogenetic location: 14q21.2.
Variant type: single nucleotide variant.
Coding change: c.401C>T on transcript NM_020937.4 (MANE Select); coding-DNA position 401, C replaced by T.
Protein change: p.Ser134Leu; replaces serine 134 with leucine.
Molecular consequence: missense variant.
Genome position (GRCh38, 1-based): chr14:45,136,432, C>T. VCF-style: chr14-45136432-C-T. GRCh37 (hg19) VCF-style: chr14-45605635-C-T.
Other names: c.401C>T, p.Ser134Leu (NM_001308133.2, NM_001308134.2); short protein forms S134L.
Identifiers: ClinVar variation 4739140 (VCV004739140.2).